The following is an entry in ClinVar:

NM_031935.3(HMCN1):c.13146G>C (p.Gln4382His)

Gene: HMCN1 (hemicentin 1; plus strand). Cytogenetic location: 1q31.1.
Variant type: single nucleotide variant.
Coding change: c.13146G>C on transcript NM_031935.3 (MANE Select); coding-DNA position 13146, G replaced by C.
Protein change: p.Gln4382His; replaces glutamine 4382 with histidine.
Molecular consequence: missense variant.
Genome position (GRCh38, 1-based): chr1:186,130,613, G>C. VCF-style: chr1-186130613-G-C. GRCh37 (hg19) VCF-style: chr1-186099745-G-C.
Other names: c.13146G>C (NM_031935.2); short protein forms Q4382H.
Identifiers: ClinVar variation 1908813 (VCV001908813.6), dbSNP rs770431758, ClinGen allele CA1294557.
Genomic context (GRCh38, chr1:186,130,613, plus strand): 5'-ACTTGGTGGGAATGCAATCCTGAATTGTGAGGTGAAAGGAGACCCCACCCCAACCATCCA[G>C]TGGAACAGAAAGGGAGTGGATATTGAAATTAGCCACAGAATCCGGCAACTGGGCAATGGC-3'
Protein context (NP_114141.2, residues 4372-4392): EVKGDPTPTI[Gln4382His]WNRKGVDIEI

ClinVar aggregate classification (germline): Uncertain significance. Review status: criteria provided, multiple submitters, no conflicts (2 of 4 stars). 2 submissions from 2 submitters: Uncertain significance (2). Last evaluated 2025-05-05.

Allele frequency attached by ClinVar (database versions not stated): gnomAD 0.00001; ExAC 0.00002.
gnomAD v4.1: 13 of 1,613,484 alleles (0.00081%); highest among the groups gnomAD compares: East Asian, 0.029%; no homozygotes.

Submissions (2):

Labcorp Genetics (formerly Invitae), Labcorp
Classification: Uncertain significance. Last evaluated: 2025-05-05. Review status: criteria provided, single submitter. Criteria: Invitae Variant Classification Sherloc (09022015). Collection method: clinical testing. Allele origin: germline.
Comment: This sequence change replaces glutamine, which is neutral and polar, with histidine, which is basic and polar, at codon 4382 of the HMCN1 protein (p.Gln4382His). This variant is present in population databases (rs770431758, gnomAD 0.04%). This variant has not been reported in the literature in individuals affected with HMCN1-related conditions. ClinVar contains an entry for this variant (Variation ID: 1908813). An algorithm developed to predict the effect of missense changes on protein structure and function (PolyPhen-2) suggests that this variant is likely to be disruptive. In summary, the available evidence is currently insufficient to determine the role of this variant in disease. Therefore, it has been classified as a Variant of Uncertain Significance.

Ambry Genetics
Classification: Uncertain significance. Last evaluated: 2023-12-27. Review status: criteria provided, single submitter. Criteria: Ambry Variant Classification Scheme 2023. Collection method: clinical testing. Allele origin: germline.